The following is an entry in ClinVar:

NM_006502.3(POLH):c.985dup (p.Thr329fs)

Gene: POLH (DNA polymerase eta; plus strand). Cytogenetic location: 6p21.1.
Variant type: Duplication.
Coding change: c.985dup on transcript NM_006502.3 (MANE Select); coding-DNA position 985, one base duplicated (A; older notation c.985dupA).
Protein change: p.Thr329fs; shifts the reading frame from threonine 329.
Molecular consequence: frameshift variant.
Genome position (GRCh38, 1-based): chr6:43,604,715, A duplicated; the last of 5 consecutive A bases (chr6:43,604,711-43,604,715); duplicating any one gives the same sequence. VCF-style (leftmost placement, unchanged base first): chr6-43604710-G-GA. GRCh37 (hg19) VCF-style: chr6-43572447-G-GA.
Other names: c.613dup, p.Thr205fs (NM_001291969.2); c.985dup, p.Thr329fs (NM_001291970.2); short protein forms T329fs, T205fs.
Identifiers: ClinVar variation 3693619 (VCV003693619.2).

ClinVar aggregate classification (germline): Pathogenic (1 of 4 stars; one submission).

Submission:

Labcorp Genetics (formerly Invitae), Labcorp
Classification: Pathogenic. Last evaluated: 2024-02-08. Review status: criteria provided, single submitter. Criteria: Invitae Variant Classification Sherloc (09022015). Collection method: clinical testing. Allele origin: germline.
Comment: This sequence change creates a premature translational stop signal (p.Thr329Asnfs*26) in the POLH gene. It is expected to result in an absent or disrupted protein product. Loss-of-function variants in POLH are known to be pathogenic (PMID: 11773631, 24130121, 25256075). This variant is not present in population databases (gnomAD no frequency). This variant has not been reported in the literature in individuals affected with POLH-related conditions. For these reasons, this variant has been classified as Pathogenic.

Literature cited by the submitters: PubMed 11773631; PubMed 24130121; PubMed 25256075.